The following is an entry in ClinVar:

ClinVar aggregate classification (germline): Uncertain significance. Review status: criteria provided, multiple submitters, no conflicts (2 of 4 stars). 2 submissions from 2 submitters: Uncertain significance (2). Last evaluated 2024-12-02.

Conditions:
Inborn genetic diseases. Identifiers: MedGen C0950123, MeSH D030342.

Allele frequency attached by ClinVar (database versions not stated): gnomAD exomes 0.00001; ExAC 0.00004; gnomAD 0.00007; TOPMed 0.00009; 1000 Genomes Project 0.00020.
gnomAD v4.1: 28 of 1,601,788 alleles (0.0017%); highest among the groups gnomAD compares: Admixed American, 0.032%; no homozygotes.

Submissions (2):

Labcorp Genetics (formerly Invitae), Labcorp
Classification: Uncertain significance. Last evaluated: 2024-12-02. Review status: criteria provided, single submitter. Criteria: Invitae Variant Classification Sherloc (09022015). Collection method: clinical testing. Allele origin: germline.
Comment: This sequence change replaces arginine, which is basic and polar, with tryptophan, which is neutral and slightly polar, at codon 1317 of the RERE protein (p.Arg1317Trp). This variant is present in population databases (rs557376814, gnomAD 0.02%). This variant has not been reported in the literature in individuals affected with RERE-related conditions. ClinVar contains an entry for this variant (Variation ID: 1896335). Invitae Evidence Modeling of protein sequence and biophysical properties (such as structural, functional, and spatial information, amino acid conservation, physicochemical variation, residue mobility, and thermodynamic stability) has been performed for this missense variant. However, the output from this modeling did not meet the statistical confidence thresholds required to predict the impact of this variant on RERE protein function. In summary, the available evidence is currently insufficient to determine the role of this variant in disease. Therefore, it has been classified as a Variant of Uncertain Significance.

Ambry Genetics
Classification: Uncertain significance for Inborn genetic diseases. Last evaluated: 2023-12-07. Review status: criteria provided, single submitter. Criteria: Ambry Variant Classification Scheme 2023. Collection method: clinical testing. Allele origin: germline.

NM_001042681.2(RERE):c.3949C>T (p.Arg1317Trp)

Gene: RERE (arginine-glutamic acid dipeptide repeats; minus strand). Cytogenetic location: 1p36.23.
Variant type: single nucleotide variant.
Coding change: c.3949C>T on transcript NM_001042681.2 (MANE Select); coding-DNA position 3949, C replaced by T.
Protein change: p.Arg1317Trp; replaces arginine 1317 with tryptophan.
Molecular consequence: missense variant.
Genome position (GRCh38, 1-based): chr1:8,358,586, G>A on the plus strand (C>T on the coding strand, the complement: RERE is on the minus strand). VCF-style: chr1-8358586-G-A. GRCh37 (hg19) VCF-style: chr1-8418646-G-A.
Other names: c.3949C>T (NM_012102.3); c.2287C>T, p.Arg763Trp (NM_001042682.2); c.3949C>T, p.Arg1317Trp (NM_012102.4); short protein forms R1317W, R763W.
Identifiers: ClinVar variation 1896335 (VCV001896335.6), dbSNP rs557376814, ClinGen allele CA570940.